The following is an entry in ClinVar:

ClinVar aggregate classification (germline): Uncertain significance (1 of 4 stars; one submission).

Conditions:
Joubert syndrome. Also called: CEREBELLOPARENCHYMAL DISORDER IV; JOUBERT-BOLTSHAUSER SYNDROME; Familial aplasia of the vermis. Identifiers: Orphanet 475, MedGen C5979921, MONDO:0018772.
Meckel-Gruber syndrome. Also called: DYSENCEPHALIA SPLANCHNOCYSTICA; GRUBER SYNDROME; Dysencephalia splachnocystica. Identifiers: Orphanet 564, MedGen C0265215, MONDO:0018921.

Submission:

Labcorp Genetics (formerly Invitae), Labcorp
Classification: Uncertain significance for Joubert syndrome; Meckel-Gruber syndrome. Last evaluated: 2022-09-08. Review status: criteria provided, single submitter. Criteria: Invitae Variant Classification Sherloc (09022015). Collection method: clinical testing. Allele origin: germline.
Comment: This sequence change replaces glycine, which is neutral and non-polar, with serine, which is neutral and polar, at codon 1138 of the RPGRIP1L protein (p.Gly1138Ser). This variant is not present in population databases (gnomAD no frequency). This variant has not been reported in the literature in individuals affected with RPGRIP1L-related conditions. ClinVar contains an entry for this variant (Variation ID: 1359789). Algorithms developed to predict the effect of missense changes on protein structure and function (SIFT, PolyPhen-2, Align-GVGD) all suggest that this variant is likely to be tolerated. In summary, the available evidence is currently insufficient to determine the role of this variant in disease. Therefore, it has been classified as a Variant of Uncertain Significance.

NM_015272.5(RPGRIP1L):c.3412G>A (p.Gly1138Ser)

Gene: RPGRIP1L (RPGRIP1 like; minus strand). Cytogenetic location: 16q12.2.
Variant type: single nucleotide variant.
Coding change: c.3412G>A on transcript NM_015272.5 (MANE Select); coding-DNA position 3412, G replaced by A.
Protein change: p.Gly1138Ser; replaces glycine 1138 with serine.
Molecular consequence: missense variant. On other transcripts: intron variant (2).
Genome position (GRCh38, 1-based): chr16:53,622,239, C>T on the plus strand (G>A on the coding strand, the complement: RPGRIP1L is on the minus strand). VCF-style: chr16-53622239-C-T. GRCh37 (hg19) VCF-style: chr16-53656151-C-T.
Other names: c.3310G>A, p.Gly1104Ser (NM_001330538.2); c.3193-3031G>A (NM_001127897.4); c.3295-3031G>A (NM_001308334.3); short protein forms G1138S, G1104S.
Identifiers: ClinVar variation 1359789 (VCV001359789.5), dbSNP rs2150974674, ClinGen allele CA395923976.